The following is an entry in ClinVar:

ClinVar aggregate classification (germline): Conflicting classifications of pathogenicity. Review status: criteria provided, conflicting classifications (1 of 4 stars). 7 submissions from 7 submitters: Likely pathogenic (1); Uncertain significance (5); Likely benign (1). Last evaluated 2026-04-14.

Conditions:
Familial intrahepatic cholestasis. Identifiers: Orphanet 284385, MedGen CN296401, MONDO:0017290.
Benign recurrent intrahepatic cholestasis type 2 (BRIC2). Also called: Recurrent familial intrahepatic cholestasis 2. Identifiers: Orphanet 65682, Orphanet 99961, MedGen C2608083, MONDO:0011559, OMIM 605479.
Progressive familial intrahepatic cholestasis type 2. Identifiers: Orphanet 79304, MedGen C3489789, MONDO:0011156, OMIM 601847.
ABCB11-related disorder. Also called: ABCB11-related condition.

Allele frequency attached by ClinVar (database versions not stated): ExAC 0.00005; gnomAD 0.00006; ESP Exome Variant Server 0.00008; gnomAD exomes 0.00009; TOPMed 0.00010; 1000 Genomes Project 30x 0.00016; 1000 Genomes Project 0.00020.
gnomAD v4.1: 60 of 1,611,400 alleles (0.0037%); highest among the groups gnomAD compares: East Asian, 0.025%; no homozygotes.

Submissions (7):

Genomenon, Inc
Classification: Uncertain significance for Familial intrahepatic cholestasis. Last evaluated: 2026-04-14. Review status: criteria provided, single submitter. Criteria: Genomenon Sequence Variant Interpretation Standards - Updated. Collection method: curation. Allele origin: germline. Affected: yes.
Comment: ABCB11 p.Arg223Cys (c.667C>T) is a missense variant that changes the amino acid at residue 223 from Arginine to Cysteine. This variant has been observed in at least one proband with an ABCB11-related disorder (PMID:38323732;32808743). It has been observed in trans with a pathogenic or likely pathogenic variant (PMID:32808743). In silico models predict that this variant is possibly or probably damaging. In conclusion, we classify ABCB11 p.Arg223Cys (c.667C>T) as a variant of uncertain significance.

PreventionGenetics, part of Exact Sciences
Classification: Uncertain significance for ABCB11-related condition. Last evaluated: 2026-03-18. Review status: criteria provided, single submitter. Criteria: ACMG Guidelines, 2015. Collection method: clinical testing. Allele origin: germline.
Comment: The ABCB11 c.667C>T variant is predicted to result in the amino acid substitution p.Arg223Cys. This variant has been reported in the compound heterozygous state in individuals with ABCB11-related disorders (Li et al. 2020. PubMed ID: 32808743; Fang et al. 2021. PubMed ID: 33763395). It has also been reported in the heterozygous state in an individual with chronic liver disease, and no second variant was identified (Nayagam et al. 2022. PubMed ID: 35894240). This variant is reported in 0.052% of alleles in individuals of East Asian descent in gnomAD and has interpretations ranging from likely benign to likely pathogenic in ClinVar (Variation ID: 287238). At this time, the clinical significance of this variant is uncertain due to the absence of conclusive functional and genetic evidence.

Women's Health and Genetics/Laboratory Corporation of America, LabCorp
Classification: Uncertain significance. Last evaluated: 2026-03-11. Review status: criteria provided, single submitter. Criteria: LabCorp Variant Classification Summary - May 2015. Collection method: clinical testing. Allele origin: germline.
Comment: Variant summary: ABCB11 c.667C>T (p.Arg223Cys) results in a non-conservative amino acid change in the encoded protein sequence. Algorithms developed to predict the effect of missense changes on protein structure and function all suggest that this variant is likely to be disruptive. The variant allele was found at a frequency of 8.5e-05 in 246512 control chromosomes. This frequency is not significantly higher than estimated for disease-causing variants in ABCB11, allowing no conclusion about variant significance. c.667C>T has been observed in individuals affected with progressive familial intrahepatic cholestasis or transient neonatal cholestasis (e.g. Li_2020, van Wessel_2020, Fang_2021, Hahn_2024). These data indicate that the variant may be associated with disease. To our knowledge, no experimental evidence demonstrating an impact on protein function has been reported. The following publications have been ascertained in the context of this evaluation (PMID: 33763395, 38323732, 32808743, 37305718, 35894240, 31450232, 32087350). ClinVar contains an entry for this variant (Variation ID: 287238). Based on the evidence outlined above, the variant was classified as VUS-possibly pathogenic.

Broad Center for Mendelian Genomics, Broad Institute of MIT and Harvard
Classification: Uncertain significance for Progressive familial intrahepatic cholestasis type 2. Last evaluated: 2025-01-30. Review status: criteria provided, single submitter. Criteria: ACMG Guidelines, 2015. Collection method: curation. Allele origin: germline. Inheritance: Autosomal recessive inheritance.
Comment: The p.Arg223Cys variant in ABCB11 has been reported in at least 7 individuals with BSEP deficiency (PMID: 31450232, 31450232, 32808743, 35894240, 38323732, 33763395; van Wessel 2020, DOI: 10.3969/j.issn.1673-5501.2024.03.008), and has been identified in 0.02% (11/44702) of East Asian chromosomes by the Genome Aggregation Database (gnomAD; dbSNP rs199841445). Although this variant has been seen in the general population in a heterozygous state, its frequency is not high enough to rule out a pathogenic role. This variant has also been reported in ClinVar (Variation ID: 287238) and has been interpreted as likely pathogenic by Baylor Genetics, as a variant of uncertain significance by Eurofins Ntd Llc (ga), and as likely benign by Invitae. Of the 6 affected individuals, two were compound heterozygotes that carried reported pathogenic variants in trans, which increases the likelihood that the p.Arg223Cys variant is pathogenic (Variation ID: 6596, 1446335; PMID: 32808743, DOI: 10.3969/j.issn.1673-5501.2024.03.008). Computational prediction tools and conservation analyses suggest that this variant may impact the protein, though this information is not predictive enough to determine pathogenicity. In summary, the clinical significance of the p.Arg223Cys variant is uncertain. ACMG/AMP Criteria applied: PM3_strong, PP3 (Richards 2015).

Baylor Genetics
Classification: Likely pathogenic for Benign recurrent intrahepatic cholestasis type 2. Last evaluated: 2024-03-30. Review status: criteria provided, single submitter. Criteria: ACMG Guidelines, 2015. Collection method: clinical testing. Allele origin: unknown.

Labcorp Genetics (formerly Invitae), Labcorp
Classification: Likely benign. Last evaluated: 2024-03-06. Review status: criteria provided, single submitter. Criteria: Invitae Variant Classification Sherloc (09022015). Collection method: clinical testing. Allele origin: germline.

Eurofins Ntd Llc (ga)
Classification: Uncertain significance. Last evaluated: 2016-05-19. Review status: criteria provided, single submitter. Criteria: EGL Classification Definitions 2015. Collection method: clinical testing. Allele origin: germline. Observed: 1 variant allele, 1 heterozygote.

Literature cited by the submitters: PubMed 38323732 (cited by Genomenon, Inc and Women's Health and Genetics/Laboratory Corporation of America, LabCorp); PubMed 32808743 (cited by Genomenon, Inc and Women's Health and Genetics/Laboratory Corporation of America, LabCorp); PubMed 31450232 (cited by Women's Health and Genetics/Laboratory Corporation of America, LabCorp); PubMed 33763395 (cited by Women's Health and Genetics/Laboratory Corporation of America, LabCorp); PubMed 32087350 (cited by Women's Health and Genetics/Laboratory Corporation of America, LabCorp); PubMed 35894240 (cited by Women's Health and Genetics/Laboratory Corporation of America, LabCorp); PubMed 37305718 (cited by Women's Health and Genetics/Laboratory Corporation of America, LabCorp).

NM_003742.4(ABCB11):c.667C>T (p.Arg223Cys)

Gene: ABCB11 (ATP binding cassette subfamily B member 11; minus strand). Cytogenetic location: 2q31.1.
Variant type: single nucleotide variant.
Coding change: c.667C>T on transcript NM_003742.4 (MANE Select); coding-DNA position 667, C replaced by T.
Protein change: p.Arg223Cys; replaces arginine 223 with cysteine.
Molecular consequence: missense variant.
Genome position (GRCh38, 1-based): chr2:168,993,827, G>A on the plus strand (C>T on the coding strand, the complement: ABCB11 is on the minus strand). VCF-style: chr2-168993827-G-A. GRCh37 (hg19) VCF-style: chr2-169850337-G-A.
Other names: NM_003742.4(ABCB11):c.667C>T; p.Arg223Cys; c.667C>T, p.Arg223Cys (LRG_1199t1); c.667C>T (NM_003742.2); short protein forms R223C.
Identifiers: ClinVar variation 287238 (VCV000287238.14), dbSNP rs199841445, ClinGen allele CA1951818.